The following is an entry in ClinVar:

NM_001318852.2(MAPK8IP3):c.2067C>T (p.Asn689=)

Gene: MAPK8IP3 (mitogen-activated protein kinase 8 interacting protein 3; plus strand). Cytogenetic location: 16p13.3.
Variant type: single nucleotide variant.
Coding change: c.2067C>T on transcript NM_001318852.2 (MANE Select); coding-DNA position 2067, C replaced by T.
Protein change: p.Asn689=; no amino-acid change (asparagine 689 retained).
Molecular consequence: synonymous variant.
Genome position (GRCh38, 1-based): chr16:1,764,156, C>T. VCF-style: chr16-1764156-C-T. GRCh37 (hg19) VCF-style: chr16-1814157-C-T.
Other names: c.2046C>T, p.Asn682= (NM_001040439.2); c.2064C>T, p.Asn688= (NM_015133.5).
Identifiers: ClinVar variation 4982701 (VCV004982701.1).
Genomic context (GRCh38, chr16:1,764,156, plus strand): 5'-GCCTCCCTGCTCCCTGCAGCTGAGTCCCAACGGGGGCCAGGAGGACACGCGGATGAAGAA[C>T]GTGCCGGTGCCGGTGTACTGCCGCCCTCTGGTGGAGAAGGACCCCACCATGAAGGTGAGC-3'
Protein context (NP_001305781.1, residues 679-699): NGGQEDTRMK[Asn689=]VPVPVYCRPL

ClinVar aggregate classification (germline): Likely benign (1 of 4 stars; one submission).

Conditions:
MAPK8IP3-related disorder. Also called: MAPK8IP3-related condition.

gnomAD v4.1: 18 of 1,611,760 alleles (0.0011%); highest among the groups gnomAD compares: African/African-American, 0.02%; no homozygotes.

Submission:

PreventionGenetics, part of Exact Sciences
Classification: Likely benign for MAPK8IP3-related condition. Last evaluated: 2025-05-23. Review status: criteria provided, single submitter. Criteria: ACMG Guidelines, 2015. Collection method: clinical testing. Allele origin: germline.
Comment: This variant is classified as likely benign based on ACMG/AMP sequence variant interpretation guidelines (Richards et al. 2015 PMID: 25741868, with internal and published modifications).